The following is an entry in ClinVar:

ClinVar aggregate classification (germline): Uncertain significance (1 of 4 stars; one submission).

Submission:

Labcorp Genetics (formerly Invitae), Labcorp
Classification: Uncertain significance. Last evaluated: 2024-08-11. Review status: criteria provided, single submitter. Criteria: Invitae Variant Classification Sherloc (09022015). Collection method: clinical testing. Allele origin: germline.
Comment: This sequence change replaces cysteine, which is neutral and slightly polar, with tyrosine, which is neutral and polar, at codon 924 of the GRM1 protein (p.Cys924Tyr). This variant is not present in population databases (gnomAD no frequency). This variant has not been reported in the literature in individuals affected with GRM1-related conditions. An algorithm developed to predict the effect of missense changes on protein structure and function (PolyPhen-2) suggests that this variant is likely to be tolerated. In summary, the available evidence is currently insufficient to determine the role of this variant in disease. Therefore, it has been classified as a Variant of Uncertain Significance.

NM_001278064.2(GRM1):c.2771G>A (p.Cys924Tyr)

Gene: GRM1 (glutamate metabotropic receptor 1; plus strand). Cytogenetic location: 6q24.3.
Variant type: single nucleotide variant.
Coding change: c.2771G>A on transcript NM_001278064.2 (MANE Select); coding-DNA position 2771, G replaced by A.
Protein change: p.Cys924Tyr; replaces cysteine 924 with tyrosine.
Molecular consequence: missense variant. On other transcripts: 3 prime UTR variant (3).
Genome position (GRCh38, 1-based): chr6:146,433,982, G>A. VCF-style: chr6-146433982-G-A. GRCh37 (hg19) VCF-style: chr6-146755118-G-A.
Other names: c.*135G>A (NM_001278065.2); c.*100G>A (NM_001278066.1); c.*9G>A (NM_001278067.1); short protein forms C924Y.
Identifiers: ClinVar variation 3661889 (VCV003661889.2).